The following is an entry in ClinVar:

NM_000158.4(GBE1):c.405C>T (p.Leu135=)

Gene: GBE1 (1,4-alpha-glucan branching enzyme 1; minus strand). Cytogenetic location: 3p12.2.
Variant type: single nucleotide variant.
Coding change: c.405C>T on transcript NM_000158.4 (MANE Select); coding-DNA position 405, C replaced by T.
Protein change: p.Leu135=; no amino-acid change (leucine 135 retained).
Molecular consequence: synonymous variant.
Genome position (GRCh38, 1-based): chr3:81,670,862, G>A on the plus strand (C>T on the coding strand, the complement: GBE1 is on the minus strand). VCF-style: chr3-81670862-G-A. GRCh37 (hg19) VCF-style: chr3-81720013-G-A.
Other names: p.Leu135=.
Identifiers: ClinVar variation 346795 (VCV000346795.68), dbSNP rs139882066, ClinGen allele CA2499983.

ClinVar aggregate classification (germline): Benign/Likely benign. Review status: criteria provided, multiple submitters, no conflicts (2 of 4 stars). 13 submissions from 12 submitters: Benign (1); Likely benign (8). 4 of the submissions do not count toward it. Last evaluated 2026-09-01.

Conditions:
Glycogen storage disease IV, classic hepatic. Also called: GSD IV, CLASSIC HEPATIC. Identifiers: MedGen C1856301.
Glycogen storage disease, type IV (GSD4). Also called: Glycogen storage disease due to glycogen branching enzyme deficiency; GBE1 DEFICIENCY; GLYCOGEN BRANCHING ENZYME DEFICIENCY; GLYCOGENOSIS IV; GSD IV; AMYLOPECTINOSIS. Identifiers: Orphanet 367, MedGen C0017923, MONDO:0009292, OMIM 232500.
Adult polyglucosan body disease (APBN). Also called: POLYGLUCOSAN BODY DISEASE, ADULT FORM; GBE1-Adult Polyglucosan Body Disease. Identifiers: Orphanet 206583, MedGen C1849722, MONDO:0009897, OMIM 263570.

Allele frequency attached by ClinVar (database versions not stated): 1000 Genomes Project 30x 0.00156; 1000 Genomes Project 0.00180; gnomAD 0.00259 and 0.00261; TOPMed 0.00268; gnomAD exomes 0.00287; ESP Exome Variant Server 0.00304; ExAC 0.00490.
gnomAD v4.1: 5,687 of 1,565,764 alleles (0.36%); highest among the groups gnomAD compares: Non-Finnish European, 0.43%; 20 homozygotes.

Submissions (13):

CeGaT Center for Human Genetics Tuebingen
Classification: Likely benign. Last evaluated: 2026-09-01. Review status: criteria provided, single submitter. Criteria: CeGaT Center For Human Genetics Tuebingen Variant Classification Criteria Version 2. Collection method: clinical testing. Allele origin: germline. Affected: yes. Observed: 19 variant alleles.
Comment: GBE1: BP4, BP7, BS2

Labcorp Genetics (formerly Invitae), Labcorp
Classification: Benign for Glycogen storage disease, type IV; Glycogen storage disease IV, classic hepatic. Last evaluated: 2026-02-04. Review status: criteria provided, single submitter. Criteria: Invitae Variant Classification Sherloc (09022015). Collection method: clinical testing. Allele origin: germline.

Mayo Clinic Laboratories, Mayo Clinic
Classification: Likely benign. Last evaluated: 2025-06-27. Review status: criteria provided, single submitter. Criteria: ACMG Guidelines, 2015. Collection method: clinical testing. Allele origin: germline. Observed: 19 variant alleles.
Comment: BS1, BP4, BP7

Blueprint Genetics
Classification: Likely benign. Last evaluated: 2024-11-23. Review status: criteria provided, single submitter. Criteria: ACMG Guidelines, 2015. Collection method: clinical testing. Allele origin: germline.

Genome-Nilou Lab
Classification: Likely benign for Glycogen storage disease, type IV. Last evaluated: 2021-05-18. Review status: criteria provided, single submitter. Criteria: ACMG Guidelines, 2015. Collection method: clinical testing. Allele origin: germline. Affected: no.

GeneDx
Classification: Likely benign. Last evaluated: 2021-02-23. Review status: criteria provided, single submitter. Criteria: GeneDx Variant Classification Process June 2021. Collection method: clinical testing. Allele origin: germline. Affected: yes.

Eurofins Ntd Llc (ga)
Classification: Likely benign. Last evaluated: 2018-05-21. Review status: criteria provided, single submitter. Criteria: EGL ClinVar v180209 classification definitions. Collection method: clinical testing. Allele origin: germline. Observed: 1 variant allele, 1 heterozygote.

Illumina Laboratory Services, Illumina
Classification: Likely benign for Adult polyglucosan body disease. Last evaluated: 2018-01-13. Review status: criteria provided, single submitter. Criteria: ICSL Variant Classification Criteria 13 December 2019. Collection method: clinical testing. Allele origin: germline.
Comment: This variant was observed in the ICSL laboratory as part of a predisposition screen in an ostensibly healthy population. It had not been previously curated by ICSL or reported in the Human Gene Mutation Database (HGMD: prior to June 1st, 2018), and was therefore a candidate for classification through an automated scoring system. Utilizing variant allele frequency, disease prevalence and penetrance estimates, and inheritance mode, an automated score was calculated to assess if this variant is too frequent to cause the disease. Based on the score and internal cut-off values, a variant classified as likely benign is not then subjected to further curation. The score for this variant resulted in a classification of likely benign for this disease.

Illumina Laboratory Services, Illumina
Classification: Likely benign for Glycogen storage disease, type IV. Last evaluated: 2018-01-13. Review status: criteria provided, single submitter. Criteria: ICSL Variant Classification Criteria 13 December 2019. Collection method: clinical testing. Allele origin: germline.
Comment: the same text as in the submission from Illumina Laboratory Services, Illumina above.

Natera, Inc.
Classification: Benign for Glycogen storage disease type IV. Last evaluated: 2019-10-18. Review status: no assertion criteria provided. Collection method: clinical testing. Allele origin: germline. Not counted in ClinVar's aggregate classification.

Clinical Genetics DNA and cytogenetics Diagnostics Lab, Erasmus MC, Erasmus Medical Center
Classification: Likely benign. Review status: no assertion criteria provided. Collection method: clinical testing. Allele origin: germline. Affected: yes. Study: VKGL Data-share Consensus. Not counted in ClinVar's aggregate classification.

Clinical Genetics, Academic Medical Center
Classification: Likely benign. Review status: no assertion criteria provided. Collection method: clinical testing. Allele origin: germline. Affected: yes. Study: VKGL Data-share Consensus. Not counted in ClinVar's aggregate classification.

Laboratory of Diagnostic Genome Analysis, Leiden University Medical Center (LUMC)
Classification: Likely benign. Review status: no assertion criteria provided. Collection method: clinical testing. Allele origin: germline. Affected: yes. Study: VKGL Data-share Consensus. Not counted in ClinVar's aggregate classification.